The following is an entry in ClinVar:

ClinVar aggregate classification (germline): Likely benign (1 of 4 stars; one submission).

Allele frequency attached by ClinVar (database versions not stated): gnomAD exomes 0.00008.
gnomAD v4.1: 121 of 1,613,948 alleles (0.0075%); highest among the groups gnomAD compares: Non-Finnish European, 0.01%; no homozygotes.

Submission:

CeGaT Center for Human Genetics Tuebingen
Classification: Likely benign. Last evaluated: 2022-11-01. Review status: criteria provided, single submitter. Criteria: CeGaT Center For Human Genetics Tuebingen Variant Classification Criteria Version 2. Collection method: clinical testing. Allele origin: germline. Affected: yes. Observed: 1 variant allele.
Comment: TUBB8: BP4

NM_177987.3(TUBB8):c.414C>T (p.Ser138=)

Gene: TUBB8 (tubulin beta 8 class VIII; minus strand). Cytogenetic location: 10p15.3.
Variant type: single nucleotide variant.
Coding change: c.414C>T on transcript NM_177987.3 (MANE Select); coding-DNA position 414, C replaced by T.
Protein change: p.Ser138=; no amino-acid change (serine 138 retained).
Molecular consequence: synonymous variant.
Genome position (GRCh38, 1-based): chr10:47,978, G>A on the plus strand (C>T on the coding strand, the complement: TUBB8 is on the minus strand). VCF-style: chr10-47978-G-A. GRCh37 (hg19) VCF-style: chr10-93918-G-A.
Other names: c.198C>T, p.Ser66= (NM_001389618.1, NM_001389619.1).
Identifiers: ClinVar variation 2640263 (VCV002640263.24), dbSNP rs782304204, ClinGen allele CA5378516.